The following is an entry in ClinVar:

NM_152703.5(SAMD9L):c.1304dup (p.Leu435fs)

Gene: SAMD9L (sterile alpha motif domain containing 9 like; minus strand). Cytogenetic location: 7q21.2.
Variant type: Duplication.
Coding change: c.1304dup on transcript NM_152703.5 (MANE Select); coding-DNA position 1304, one base duplicated (T; older notation c.1304dupT).
Protein change: p.Leu435fs; shifts the reading frame from leucine 435.
Molecular consequence: frameshift variant.
Genome position (GRCh38, 1-based): chr7:93,134,668, A duplicated on the plus strand (T on the coding strand, the reverse complement: SAMD9L is on the minus strand); the first of 6 consecutive A bases (chr7:93,134,668-93,134,673); duplicating any one gives the same sequence. VCF-style (leftmost placement, unchanged base first): chr7-93134667-T-TA. GRCh37 (hg19) VCF-style: chr7-92763980-T-TA.
Other names: c.1304dup, p.Leu435fs (NM_001303496.3, NM_001303497.3, NM_001303498.3 and 5 more transcripts); short protein forms L435fs.
Identifiers: ClinVar variation 1879691 (VCV001879691.30), dbSNP rs2535429554, ClinGen allele CA2580077853.
Genomic context (GRCh38, chr7:93,134,667, plus strand): 5'-CACTCCATTGATCATAGATTCAGGATCAAACTCCAACACAGCAAACCATTTAATTTCTTT[T>TA]AAAAAATCTAAGTGCTTTATTTGGTTTGGATGGCATTTATTTGTTACAAGAATGTACCAG-3'

ClinVar aggregate classification (germline): Uncertain significance. Review status: criteria provided, multiple submitters, no conflicts (2 of 4 stars). 2 submissions from 2 submitters: Uncertain significance (2). Last evaluated 2025-05-01.

Submissions (2):

Labcorp Genetics (formerly Invitae), Labcorp
Classification: Uncertain significance. Last evaluated: 2025-05-01. Review status: criteria provided, single submitter. Criteria: Invitae Variant Classification Sherloc (09022015). Collection method: clinical testing. Allele origin: germline.
Comment: This sequence change creates a premature translational stop signal (p.Leu435Phefs*5) in the SAMD9L gene. While this is not anticipated to result in nonsense mediated decay, it is expected to disrupt the last 1150 amino acid(s) of the SAMD9L protein. This variant is not present in population databases (gnomAD no frequency). This variant has not been reported in the literature in individuals affected with SAMD9L-related conditions. ClinVar contains an entry for this variant (Variation ID: 1879691). In summary, the available evidence is currently insufficient to determine the role of this variant in disease. Therefore, it has been classified as a Variant of Uncertain Significance.

CeGaT Center for Human Genetics Tuebingen
Classification: Uncertain significance. Last evaluated: 2022-10-01. Review status: criteria provided, single submitter. Criteria: CeGaT Center For Human Genetics Tuebingen Variant Classification Criteria Version 2. Collection method: clinical testing. Allele origin: germline. Affected: yes. Observed: 1 variant allele.
Comment: SAMD9L: PM2